The following is an entry in ClinVar:

ClinVar aggregate classification (germline): Pathogenic (1 of 4 stars; one submission).

Conditions:
Stickler syndrome. Identifiers: Orphanet 828, MedGen C0265253, MONDO:0019354.

Submission:

Cambridge Genomics Laboratory, East Genomic Laboratory Hub, NHS Genomic Medicine Service
Classification: Pathogenic for Stickler syndrome. Last evaluated: 2026-06-17. Review status: criteria provided, single submitter. Criteria: ACGS Best Practice Guidelines for Variant Classification in Rare Disease 2020. Collection method: clinical testing. Allele origin: germline. Affected: yes.
Comment: PVS1,PM2

NM_001844.5(COL2A1):c.1558C>T (p.Gln520Ter)

Gene: COL2A1 (collagen type II alpha 1 chain; minus strand). Cytogenetic location: 12q13.11.
Variant type: single nucleotide variant.
Coding change: c.1558C>T on transcript NM_001844.5 (MANE Select); coding-DNA position 1558, C replaced by T.
Protein change: p.Gln520Ter; replaces glutamine 520 with a stop codon.
Molecular consequence: nonsense.
Genome position (GRCh38, 1-based): chr12:47,985,935, G>A on the plus strand (C>T on the coding strand, the complement: COL2A1 is on the minus strand). VCF-style: chr12-47985935-G-A. GRCh37 (hg19) VCF-style: chr12-48379718-G-A.
Other names: c.1351C>T, p.Gln451Ter (NM_033150.3); short protein forms Q451*, Q520*.
Identifiers: ClinVar variation 4876245 (VCV004876245.1).